The following is an entry in ClinVar:

NM_201384.3(PLEC):c.9128C>T (p.Ala3043Val)

Gene: PLEC (plectin; minus strand). Cytogenetic location: 8q24.3.
Variant type: single nucleotide variant.
Coding change: c.9128C>T on transcript NM_201384.3 (MANE Select); coding-DNA position 9128, C replaced by T.
Protein change: p.Ala3043Val; replaces alanine 3043 with valine.
Molecular consequence: missense variant.
Genome position (GRCh38, 1-based): chr8:143,920,693, G>A on the plus strand (C>T on the coding strand, the complement: PLEC is on the minus strand). VCF-style: chr8-143920693-G-A. GRCh37 (hg19) VCF-style: chr8-144994861-G-A.
Other names: c.9209C>T, p.Ala3070Val (NM_000445.5); c.9086C>T, p.Ala3029Val (NM_201378.4); c.9062C>T, p.Ala3021Val (NM_201379.3); c.9539C>T, p.Ala3180Val (NM_201380.4); c.9032C>T, p.Ala3011Val (NM_201381.3); c.9128C>T, p.Ala3043Val (NM_201382.4); c.9140C>T, p.Ala3047Val (NM_201383.3); c.9209C>T (NM_000445.3, NM_000445.4); short protein forms A3021V, A3070V, A3180V, A3029V, A3043V, A3011V, A3047V.
Identifiers: ClinVar variation 1404923 (VCV001404923.11), dbSNP rs774840288, ClinGen allele CA4925063.

ClinVar aggregate classification (germline): Uncertain significance. Review status: criteria provided, multiple submitters, no conflicts (2 of 4 stars). 3 submissions from 3 submitters: Uncertain significance (2). 1 of the submissions does not count toward it. Last evaluated 2025-10-01.

Conditions:
Epidermolysis bullosa simplex 5B, with muscular dystrophy (EBS5B). Also called: EPIDERMOLYSIS BULLOSA SIMPLEX AND LIMB-GIRDLE MUSCULAR DYSTROPHY; Epidermolysis bullosa simplex with muscular dystrophy. Identifiers: Orphanet 257, MedGen C2931072, MONDO:0009181, OMIM 226670.
Epidermolysis bullosa simplex with nail dystrophy (EBS5D). Identifiers: MedGen C4225309, MONDO:0014661, OMIM 616487.
Epidermolysis bullosa simplex, Ogna type (EBS5A). Also called: Pidermolysis bullosa simplex 5A, Ogna type; EPIDERMOLYSIS BULLOSA SIMPLEX 5A, OGNA TYPE. Identifiers: Orphanet 79401, MedGen C0432317, MONDO:0007555, OMIM 131950.
Epidermolysis bullosa simplex 5C, with pyloric atresia (EBS5C). Also called: PLEC-Related Epidermolysis Bullosa with Pyloric Atresia; Epidermolysis bullosa simplex with pyloric atresia; PLEC1-Related Epidermolysis Bullosa with Pyloric Atresia. Identifiers: Orphanet 158684, MedGen C2677349, MONDO:0012807, OMIM 612138.
Autosomal recessive limb-girdle muscular dystrophy type 2Q (LGMDR17). Also called: MUSCULAR DYSTROPHY, LIMB-GIRDLE, AUTOSOMAL RECESSIVE 17. Identifiers: Orphanet 254361, MedGen C3150989, MONDO:0013390, OMIM 613723.
PLEC-related disorder. Also called: PLEC-related disorders; PLEC-related condition.

Allele frequency attached by ClinVar (database versions not stated): ExAC 0.00004; gnomAD 0.00004; gnomAD exomes 0.00004 and 0.00005; TOPMed 0.00005.

Submissions (3):

Labcorp Genetics (formerly Invitae), Labcorp
Classification: Uncertain significance for Autosomal recessive limb-girdle muscular dystrophy type 2Q; Epidermolysis bullosa simplex, Ogna type; Epidermolysis bullosa simplex with nail dystrophy; Epidermolysis bullosa simplex 5C, with pyloric atresia; Epidermolysis bullosa simplex 5B, with muscular dystrophy. Last evaluated: 2025-10-01. Review status: criteria provided, single submitter. Criteria: Invitae Variant Classification Sherloc (09022015). Collection method: clinical testing. Allele origin: germline.
Comment: This sequence change replaces alanine, which is neutral and non-polar, with valine, which is neutral and non-polar, at codon 3070 of the PLEC protein (p.Ala3070Val). The frequency data for this variant in the population databases is considered unreliable, as metrics indicate poor data quality at this position in the gnomAD database. This variant has not been reported in the literature in individuals affected with PLEC-related conditions. ClinVar contains an entry for this variant (Variation ID: 1404923). An algorithm developed to predict the effect of missense changes on protein structure and function (PolyPhen-2) suggests that this variant is likely to be disruptive. In summary, the available evidence is currently insufficient to determine the role of this variant in disease. Therefore, it has been classified as a Variant of Uncertain Significance.

Revvity Omics, Revvity
Classification: Uncertain significance. Last evaluated: 2019-06-12. Review status: criteria provided, single submitter. Criteria: ACMG Guidelines, 2015. Collection method: clinical testing. Allele origin: germline.

PreventionGenetics, part of Exact Sciences
Classification: Uncertain significance for PLEC-related condition. Last evaluated: 2024-05-28. Review status: no assertion criteria provided. Collection method: clinical testing. Allele origin: germline. Not counted in ClinVar's aggregate classification.
Comment: The PLEC c.9209C>T variant is predicted to result in the amino acid substitution p.Ala3070Val. To our knowledge, this variant has not been reported in the literature. This variant is reported in 0.0080% of alleles in individuals of European (Non-Finnish) descent in gnomAD. At this time, the clinical significance of this variant is uncertain due to the absence of conclusive functional and genetic evidence.